The following is an entry in ClinVar:

NM_007194.4(CHEK2):c.909-18C>T

Gene: CHEK2 (checkpoint kinase 2; minus strand). Cytogenetic location: 22q12.1.
Variant type: single nucleotide variant.
Coding change: c.909-18C>T on transcript NM_007194.4 (MANE Select); 18 bases into the intron before coding-DNA position 909, C replaced by T.
Molecular consequence: intron variant.
Genome position (GRCh38, 1-based): chr22:28,699,955, G>A on the plus strand (C>T on the coding strand, the complement: CHEK2 is on the minus strand). VCF-style: chr22-28699955-G-A. GRCh37 (hg19) VCF-style: chr22-29095943-G-A.
Other names: c.246-18C>T (NM_001437942.1, NM_001257387.3); c.708-18C>T (NM_001349956.3); c.909-18C>T (NM_145862.3); c.1002-18C>T (NM_001438295.1, NM_001438293.1); c.1038-18C>T (NM_001438294.1, NM_001005735.3).
Identifiers: ClinVar variation 379018 (VCV000379018.14), dbSNP rs1009670975, ClinGen allele CA16609084.
Genomic context (GRCh38, chr22:28,699,955, plus strand): 5'-TTTATTCCCCACCACTTTGTCAAACAGCTCTCCCCCTTCCATCCTGAAACACAAAGGCAA[G>A]GCAAGGGGTTCATTCCTGGGGGAAAACGCACTTGGACAGAAGACAATAAAACAACAAAAC-3'

ClinVar aggregate classification (germline): Likely benign. Review status: criteria provided, multiple submitters, no conflicts (2 of 4 stars). 6 submissions from 6 submitters: Likely benign (3). 3 of the submissions do not count toward it. Last evaluated 2025-11-18.

Conditions:
Familial cancer of breast. Also called: hereditary breast carcinoma; Hereditary breast cancer; BREAST CANCER, FAMILIAL. Identifiers: Orphanet 227535, MedGen C0346153, MONDO:0016419, OMIM 114480. Disease mechanism: loss of function.

Allele frequency attached by ClinVar (database versions not stated): gnomAD exomes 0.00001; TOPMed 0.00002; gnomAD 0.00003.
gnomAD v4.1: 15 of 1,581,312 alleles (0.00095%); highest among the groups gnomAD compares: Non-Finnish European, 0.0013%; no homozygotes.

Submissions (6):

Labcorp Genetics (formerly Invitae), Labcorp
Classification: Likely benign for Familial cancer of breast. Last evaluated: 2025-11-18. Review status: criteria provided, single submitter. Criteria: Invitae Variant Classification Sherloc (09022015). Collection method: clinical testing. Allele origin: germline.

Myriad Genetics, Inc.
Classification: Likely benign for Familial cancer of breast. Last evaluated: 2024-10-03. Review status: criteria provided, single submitter. Criteria: Myriad Autosomal Dominant, Autosomal Recessive and X-Linked Classification Criteria (2023). Collection method: clinical testing. Allele origin: unknown.
Comment: This variant is considered likely benign. This variant is intronic and is not expected to impact mRNA splicing.

GeneDx
Classification: Likely benign. Last evaluated: 2017-06-05. Review status: criteria provided, single submitter. Criteria: GeneDx Variant Classification (06012015). Collection method: clinical testing. Allele origin: germline. Affected: yes.
Comment: This variant is considered likely benign or benign based on one or more of the following criteria: it is a conservative change, it occurs at a poorly conserved position in the protein, it is predicted to be benign by multiple in silico algorithms, and/or has population frequency not consistent with disease.

Clinical Genetics DNA and cytogenetics Diagnostics Lab, Erasmus MC, Erasmus Medical Center
Classification: Likely benign. Review status: no assertion criteria provided. Collection method: clinical testing. Allele origin: germline. Affected: yes. Study: VKGL Data-share Consensus. Not counted in ClinVar's aggregate classification.

Joint Genome Diagnostic Labs from Nijmegen and Maastricht, Radboudumc and MUMC+
Classification: Likely benign. Review status: no assertion criteria provided. Collection method: clinical testing. Allele origin: germline. Affected: yes. Study: VKGL Data-share Consensus. Not counted in ClinVar's aggregate classification.

Laboratory of Diagnostic Genome Analysis, Leiden University Medical Center (LUMC)
Classification: Likely benign. Review status: no assertion criteria provided. Collection method: clinical testing. Allele origin: germline. Affected: yes. Study: VKGL Data-share Consensus. Not counted in ClinVar's aggregate classification.